The following is an entry in ClinVar:

NM_020338.4(ZMIZ1):c.1612_1613dup (p.Pro539fs)

Gene: ZMIZ1 (zinc finger MIZ-type containing 1; plus strand). Cytogenetic location: 10q22.3.
Variant type: Duplication.
Coding change: c.1612_1613dup on transcript NM_020338.4 (MANE Select); coding-DNA positions 1612 to 1613, 2 bases duplicated (CC; older notation c.1612_1613dupCC).
Protein change: p.Pro539fs; shifts the reading frame from proline 539.
Molecular consequence: frameshift variant.
Genome position (GRCh38, 1-based): chr10:79,298,526-79,298,527, CC duplicated. VCF-style (leftmost placement, unchanged base first): chr10-79298525-A-ACC. GRCh37 (hg19) VCF-style: chr10-81058282-A-ACC.
Other names: NM_020338.4:c.1612_1613dup; short protein forms P539fs.
Identifiers: ClinVar variation 2412711 (VCV002412711.1), dbSNP rs2492116462, ClinGen allele CA2573332441.
Genomic context (GRCh38, chr10:79,298,525, plus strand): 5'-ACCCCCCATGACCCCTGGGAGCAGCATCCCTCCATACCTGTCCCCCAGCCAAGACGTCAA[A>ACC]CCACCCTTCCCGCCTGACATCAAGCCAAATATGAGCGCTCTGCCACCACCCCCAGGTGAG-3'

ClinVar aggregate classification (germline): Uncertain significance (1 of 4 stars; one submission).

Conditions:
Neurodevelopmental disorder with dysmorphic facies and distal skeletal anomalies. Identifiers: MedGen C5231448, MONDO:0032855, OMIM 618659.

Submission:

Broad Center for Mendelian Genomics, Broad Institute of MIT and Harvard
Classification: Uncertain significance for Neurodevelopmental disorder with dysmorphic facies and distal skeletal anomalies. Last evaluated: 2023-01-25. Review status: criteria provided, single submitter. Criteria: ACMG Guidelines, 2015. Collection method: curation. Allele origin: germline. Inheritance: Autosomal dominant inheritance.
Comment: Trio exome analysis showed this variant to be de novo. The p.Pro539HisfsTer11 variant in ZMIZ1 has not been previously reported in individuals with neurodevelopmental disorder with dysmorphic facies and distal skeletal anomalies. This variant was absent from large population studies. This variant is predicted to cause a frameshift, which alters the protein‚Äôs amino acid sequence beginning at position 539 and leads to a premature termination codon 11 amino acids downstream. This alteration is then predicted to lead to a truncated or absent protein. While there is some evidence to suggest that heterozygous loss of function of the ZMIZ1 gene is a disease mechanism in neurodevelopmental disorder with dysmorphic facies and distal skeletal anomalies, this association is not yet strongly established based on the criteria laid out in Tayoun, 2018 (PMID: 30192042). In summary, while there is some suspicion for a pathogenic role, the clinical significance of this variant is uncertain. ACMG/AMP Criteria applied: PVS1_Moderate, PS2_Supporting, PM2_Supporting (Richards 2015).